The following is an entry in ClinVar:

ClinVar aggregate classification (germline): Likely pathogenic (0 of 4 stars; one submission).

Conditions:
SPOP-related disorder. Also called: SPOP-related condition.

Submissions (3):

PreventionGenetics, part of Exact Sciences
Classification: Likely pathogenic for SPOP-related condition. Last evaluated: 2023-11-01. Review status: no assertion criteria provided. Collection method: clinical testing. Allele origin: germline.
Comment: The SPOP c.79-1G>C variant is predicted to disrupt the AG splice acceptor site and interfere with normal splicing. To our knowledge, this variant has not been reported in the literature or in a large population database, indicating this variant is rare. Another loss of function variant in SPOP (p.Tyr353*) has been reported in an individual with Nabais Sa-de Vries syndrome (Law et al. 2022. PubMed ID: 36063898). In summary, this variant is interpreted as likely pathogenic.

Dr. Peter K. Rogan Lab, Western University
No classification provided (evidence only). Condition: Squamous cell carcinoma of the head and neck. Review status: no classification provided. Collection method: in vitro. Allele origin: not applicable. Functional consequence: skipped exon, retained intron. Not counted in ClinVar's aggregate classification.

MutSpliceDB: a database of splice sites variants effects on splicing, NIH
No classification provided (evidence only). Review status: no classification provided. Collection method: in vivo. Allele origin: not applicable. Functional consequence: retained intron. Not counted in ClinVar's aggregate classification.

NM_001007228.2(SPOP):c.79-1G>C

Gene: SPOP (speckle type BTB/POZ protein; minus strand). Cytogenetic location: 17q21.33.
Variant type: single nucleotide variant.
Coding change: c.79-1G>C on transcript NM_001007228.2 (MANE Select); the canonical splice acceptor site of the intron before coding-DNA position 79, G replaced by C.
Molecular consequence: splice acceptor variant.
Genome position (GRCh38, 1-based): chr17:49,622,068, C>G on the plus strand (G>C on the coding strand, the complement: SPOP is on the minus strand). VCF-style: chr17-49622068-C-G. GRCh37 (hg19) VCF-style: chr17-47699430-C-G.
Other names: NM_001007228.2:c.79-1G>C; NC_000017.10:g.47699430C>G; c.79-1G>C (NM_001007229.1, NM_001007227.1, NM_001007230.1 and 5 more transcripts).
Identifiers: ClinVar variation 1341399 (VCV001341399.6), dbSNP rs2143295744, ClinGen allele CA400157460.